The following is an entry in ClinVar:

ClinVar aggregate classification (germline): Conflicting classifications of pathogenicity. Review status: criteria provided, conflicting classifications (1 of 4 stars). 9 submissions from 6 submitters: Uncertain significance (3); Benign (1); Likely benign (5). Last evaluated 2026-04-16.

Conditions:
Congenital myopathy 18. Also called: Myopathy, congenital, due to dihydropyridine receptor defect; DIHYDROPYRIDINE RECEPTOR CONGENITAL MYOPATHY; DHPR CONGENITAL MYOPATHY. Identifiers: MedGen C5830283, MONDO:0859514, OMIM 620246.
Malignant hyperthermia, susceptibility to, 5 (MHS5). Also called: CACNA1S-Related Malignant Hyperthermia Susceptibility. Identifiers: Orphanet 423, MedGen C1866077, MONDO:0011163, OMIM 601887.
Hypokalemic periodic paralysis, type 1. Also called: Hypokalemic Periodic Paralysis Type 1 (AD); HypoPP. Identifiers: Orphanet 681, MedGen C3714580, MONDO:0042979, OMIM 170400.
Thyrotoxic periodic paralysis, susceptibility to, 1 (TTPP1). Identifiers: Orphanet 79102, MedGen C2749982, MONDO:0008570, OMIM 188580.

Allele frequency attached by ClinVar (database versions not stated): ExAC 0.00006; gnomAD 0.00002; TOPMed 0.00006; gnomAD exomes 0.00001 and 0.00007.
gnomAD v4.1: 17 of 1,613,862 alleles (0.0011%); highest among the groups gnomAD compares: East Asian, 0.036%; no homozygotes.

Submissions (9):

GeneDx
Classification: Uncertain significance. Last evaluated: 2026-04-16. Review status: criteria provided, single submitter. Criteria: GeneDx Variant Classification Process June 2021. Collection method: clinical testing. Allele origin: germline.
Comment: In silico analysis suggests that this missense variant does not alter protein structure/function; Has not been previously published as pathogenic or benign to our knowledge

Labcorp Genetics (formerly Invitae), Labcorp
Classification: Likely benign for Hypokalemic periodic paralysis, type 1; Malignant hyperthermia, susceptibility to, 5. Last evaluated: 2025-10-05. Review status: criteria provided, single submitter. Criteria: Invitae Variant Classification Sherloc (09022015). Collection method: clinical testing. Allele origin: germline.

Color Diagnostics, LLC DBA Color Health
Classification: Uncertain significance for Malignant hyperthermia, susceptibility to, 5. Last evaluated: 2025-06-30. Review status: criteria provided, single submitter. Criteria: ACMG Guidelines, 2015. Collection method: clinical testing. Allele origin: germline.
Comment: This missense variant replaces isoleucine with valine at codon 847 of the CACNA1S protein. Computational prediction suggests that this variant may have deleterious impact on protein structure and function. To our knowledge, functional studies have not been reported for this variant. This variant has not been reported in individuals affected with CACNA1S-related disorders in the literature. This variant has been identified in 18/282870 chromosomes in the general population by the Genome Aggregation Database (gnomAD). The available evidence is insufficient to determine the role of this variant in disease conclusively. Therefore, this variant is classified as a Variant of Uncertain Significance.

All of Us Research Program, National Institutes of Health
Classification: Uncertain significance for Malignant hyperthermia, susceptibility to, 5. Last evaluated: 2024-05-09. Review status: criteria provided, single submitter. Criteria: ACMG Guidelines, 2015. Collection method: clinical testing. Allele origin: germline. Inheritance: Autosomal dominant inheritance. Observed: 3 variant alleles, 3 heterozygotes.
Comment: This missense variant replaces isoleucine with valine at codon 847 of the CACNA1S protein. Computational prediction suggests that this variant may have deleterious impact on protein structure and function (internally defined REVEL score threshold >= 0.7, PMID: 27666373). To our knowledge, functional studies have not been reported for this variant. This variant has not been reported in individuals affected with CACNA1S-related disorders in the literature. This variant has been identified in 18/282870 chromosomes in the general population by the Genome Aggregation Database (gnomAD). The available evidence is insufficient to determine the role of this variant in disease conclusively. Therefore, this variant is classified as a Variant of Uncertain Significance.

This study involves interpretation of variants in research participants for the purpose of population health screening. Participant phenotype was not available at the time of variant classification. Additional details can be found in publication PMID: 35346344, PMCID: PMC8962531

Genome-Nilou Lab
Classification: Likely benign for Malignant hyperthermia, susceptibility to, 5. Last evaluated: 2023-04-11. Review status: criteria provided, single submitter. Criteria: ACMG Guidelines, 2015. Collection method: clinical testing. Allele origin: germline. Affected: no.

Genome-Nilou Lab
Classification: Likely benign for Thyrotoxic periodic paralysis, susceptibility to, 1. Last evaluated: 2023-04-11. Review status: criteria provided, single submitter. Criteria: ACMG Guidelines, 2015. Collection method: clinical testing. Allele origin: germline. Affected: no.

Genome-Nilou Lab
Classification: Likely benign for Congenital myopathy 18. Last evaluated: 2023-04-11. Review status: criteria provided, single submitter. Criteria: ACMG Guidelines, 2015. Collection method: clinical testing. Allele origin: germline. Affected: no.

Genome-Nilou Lab
Classification: Likely benign for Hypokalemic periodic paralysis, type 1. Last evaluated: 2023-04-11. Review status: criteria provided, single submitter. Criteria: ACMG Guidelines, 2015. Collection method: clinical testing. Allele origin: germline. Affected: no.

Illumina Laboratory Services, Illumina
Classification: Benign for Hypokalemic periodic paralysis, type 1. Last evaluated: 2017-04-27. Review status: criteria provided, single submitter. Criteria: ICSL Variant Classification Criteria 13 December 2019. Collection method: clinical testing. Allele origin: germline.
Comment: This variant was observed as part of a predisposition screen in an ostensibly healthy population. A literature search was performed for the gene, cDNA change, and amino acid change (where applicable). No publications were found based on this search. Allele frequency data from public databases was too high to be consistent with this variant causing disease. Therefore, this variant is classified as benign.

NM_000069.3(CACNA1S):c.2539A>G (p.Ile847Val)

Gene: CACNA1S (calcium voltage-gated channel subunit alpha1 S; minus strand). Cytogenetic location: 1q32.1.
Variant type: single nucleotide variant.
Coding change: c.2539A>G on transcript NM_000069.3 (MANE Select); coding-DNA position 2539, A replaced by G.
Protein change: p.Ile847Val; replaces isoleucine 847 with valine.
Molecular consequence: missense variant.
Genome position (GRCh38, 1-based): chr1:201,069,148, T>C on the plus strand (A>G on the coding strand, the complement: CACNA1S is on the minus strand). VCF-style: chr1-201069148-T-C. GRCh37 (hg19) VCF-style: chr1-201038276-T-C.
Other names: short protein forms I847V.
Identifiers: ClinVar variation 874780 (VCV000874780.17), dbSNP rs764821044, ClinGen allele CA079050.
Genomic context (GRCh38, chr1:201,069,148, plus strand): 5'-CACATCAGGGAAACTCCCTCCCCAGGGCTGCCCCACAGCCTTCACTCACCTTGAGGACAA[T>C]CTCCACAGTGAAGACAGAGGTGAACCCGATGTCAAAGTGTTTAAGGATCTGGGGACAGGG-3'
Protein context (NP_000060.2, residues 837-857): IGFTSVFTVE[Ile847Val]VLKMTTYGAF